The following is an entry in ClinVar:

ClinVar aggregate classification (germline): Uncertain significance (1 of 4 stars; one submission).

gnomAD v4.1: 1 of 1,613,198 alleles (0.000062%); no homozygotes.

Submission:

Labcorp Genetics (formerly Invitae), Labcorp
Classification: Uncertain significance. Last evaluated: 2022-09-07. Review status: criteria provided, single submitter. Criteria: Invitae Variant Classification Sherloc (09022015). Collection method: clinical testing. Allele origin: germline.
Comment: In summary, the available evidence is currently insufficient to determine the role of this variant in disease. Therefore, it has been classified as a Variant of Uncertain Significance. Algorithms developed to predict the effect of missense changes on protein structure and function (SIFT, PolyPhen-2, Align-GVGD) all suggest that this variant is likely to be disruptive. This variant has not been reported in the literature in individuals affected with C5-related conditions. This variant is not present in population databases (gnomAD no frequency). This sequence change replaces cysteine, which is neutral and slightly polar, with tyrosine, which is neutral and polar, at codon 1520 of the C5 protein (p.Cys1520Tyr).

NM_001735.3(C5):c.4559G>A (p.Cys1520Tyr)

Gene: C5 (complement C5; minus strand). Cytogenetic location: 9q33.2.
Variant type: single nucleotide variant.
Coding change: c.4559G>A on transcript NM_001735.3 (MANE Select); coding-DNA position 4559, G replaced by A.
Protein change: p.Cys1520Tyr; replaces cysteine 1520 with tyrosine.
Molecular consequence: missense variant.
Genome position (GRCh38, 1-based): chr9:120,961,511, C>T on the plus strand (G>A on the coding strand, the complement: C5 is on the minus strand). VCF-style: chr9-120961511-C-T. GRCh37 (hg19) VCF-style: chr9-123723789-C-T.
Other names: c.4577G>A, p.Cys1526Tyr (NM_001317163.2); short protein forms C1520Y, C1526Y.
Identifiers: ClinVar variation 2054688 (VCV002054688.4), dbSNP rs2046827170, ClinGen allele CA374744043.